The following is an entry in ClinVar:

ClinVar aggregate classification (germline): Uncertain significance (1 of 4 stars; one submission).

Conditions:
Encephalopathy, acute, infection-induced (herpes-specific), susceptibility to, 1. Also called: Herpes simplex encephalitis, susceptibility to, 1. Identifiers: Orphanet 1930, MedGen C2750180, MONDO:0024563, OMIM 610551.

gnomAD v4.1: 5 of 1,614,202 alleles (0.00031%); highest among the groups gnomAD compares: Non-Finnish European, 0.00042%; no homozygotes.

Submission:

Labcorp Genetics (formerly Invitae), Labcorp
Classification: Uncertain significance for Encephalopathy, acute, infection-induced (herpes-specific), susceptibility to, 1. Last evaluated: 2025-01-01. Review status: criteria provided, single submitter. Criteria: Invitae Variant Classification Sherloc (09022015). Collection method: clinical testing. Allele origin: germline.
Comment: This sequence change replaces phenylalanine, which is neutral and non-polar, with leucine, which is neutral and non-polar, at codon 17 of the TLR3 protein (p.Phe17Leu). This variant is present in population databases (rs746697955, gnomAD 0.002%). This variant has not been reported in the literature in individuals affected with TLR3-related conditions. An algorithm developed to predict the effect of missense changes on protein structure and function outputs the following: PolyPhen-2: "Benign". The leucine amino acid residue is found in multiple mammalian species, which suggests that this missense change does not adversely affect protein function. In summary, the available evidence is currently insufficient to determine the role of this variant in disease. Therefore, it has been classified as a Variant of Uncertain Significance.

NM_003265.3(TLR3):c.49T>C (p.Phe17Leu)

Gene: TLR3 (toll like receptor 3; plus strand). Cytogenetic location: 4q35.1.
Variant type: single nucleotide variant.
Coding change: c.49T>C on transcript NM_003265.3 (MANE Select); coding-DNA position 49, T replaced by C.
Protein change: p.Phe17Leu; replaces phenylalanine 17 with leucine.
Molecular consequence: missense variant.
Genome position (GRCh38, 1-based): chr4:186,076,668, T>C. VCF-style: chr4-186076668-T-C. GRCh37 (hg19) VCF-style: chr4-186997822-T-C.
Other names: short protein forms F17L.
Identifiers: ClinVar variation 3611174 (VCV003611174.2).
Genomic context (GRCh38, chr4:186,076,668, plus strand): 5'-TACAGCAGAATCATGAGACAGACTTTGCCTTGTATCTACTTTTGGGGGGGCCTTTTGCCC[T>C]TTGGGATGCTGTGTGCATCCTCCACCACCAAGTGCACTGTTAGCCATGAAGTTGCTGACT-3'
Protein context (NP_003256.1, residues 7-27): CIYFWGGLLP[Phe17Leu]GMLCASSTTK